The following is an entry in ClinVar:

NC_000020.11:g.36904246CCT[1]

Gene: SAMHD1 (SAM and HD domain containing deoxynucleoside triphosphate triphosphohydrolase 1; minus strand). Cytogenetic location: 20q11.23.
Variant type: Microsatellite.
Genome position: GRCh38 VCF-style: chr20-36904244-GTCC-G. GRCh37 (hg19) VCF-style: chr20-35532647-GTCC-G.
Identifiers: ClinVar variation 1935807 (VCV001935807.3), dbSNP rs1192946422, ClinGen allele CA635405244.
Genomic context (GRCh38, chr20:36,904,244, plus strand): 5'-TTTCACGTCTAGCAATACTTTGGGTTTAGCACTGGCAACCTCTTTTGGAAGAGATTCATA[GTCC>G]TCCTGGAAAACACAAGACTCCCCATGTTAGAATCCATTTTTCATCAAGTCTTTGAGCCAC-3'

ClinVar aggregate classification (germline): Uncertain significance (1 of 4 stars; one submission).

Conditions:
Aicardi-Goutieres syndrome 5. Identifiers: Orphanet 51, MedGen C2749659, MONDO:0013059, OMIM 612952.

Submission:

Labcorp Genetics (formerly Invitae), Labcorp
Classification: Uncertain significance for Aicardi-Goutieres syndrome 5. Last evaluated: 2021-09-30. Review status: criteria provided, single submitter. Criteria: Invitae Variant Classification Sherloc (09022015). Collection method: clinical testing. Allele origin: germline.
Comment: This variant, c.1413_1415del, results in the deletion of 1 amino acid(s) of the SAMHD1 protein (p.Glu471del), but otherwise preserves the integrity of the reading frame. This variant is not present in population databases (ExAC no frequency). This variant has not been reported in the literature in individuals affected with SAMHD1-related conditions. Experimental studies and prediction algorithms are not available or were not evaluated, and the functional significance of this variant is currently unknown. In summary, the available evidence is currently insufficient to determine the role of this variant in disease. Therefore, it has been classified as a Variant of Uncertain Significance.